The following is an entry in ClinVar:

ClinVar aggregate classification (germline): Pathogenic. Review status: criteria provided, single submitter (1 of 4 stars). 2 submissions from 2 submitters: Pathogenic (1). 1 of the submissions does not count toward it. Last evaluated 2022-07-03.

Conditions:
Hyper-IgE recurrent infection syndrome 4A, autosomal dominant (HIES4A). Also called: HYPER-IgE SYNDROME 4A, AUTOSOMAL DOMINANT, WITH RECURRENT INFECTIONS. Identifiers: MedGen C5676920, MONDO:0800131, OMIM 619752.

Submissions (2):

Labcorp Genetics (formerly Invitae), Labcorp
Classification: Pathogenic. Last evaluated: 2022-07-03. Review status: criteria provided, single submitter. Criteria: Invitae Variant Classification Sherloc (09022015). Collection method: clinical testing. Allele origin: germline.
Comment: This variant is not present in population databases (gnomAD no frequency). This sequence change creates a premature translational stop signal (p.Ile719Asnfs*2) in the IL6ST gene. While this is not anticipated to result in nonsense mediated decay, it is expected to disrupt the last 200 amino acid(s) of the IL6ST protein. This premature translational stop signal has been observed in individuals with autosomal dominant hyper IgE syndrome (PMID: 32207811). It has also been observed to segregate with disease in related individuals. For these reasons, this variant has been classified as Pathogenic. Experimental studies have shown that this premature translational stop signal affects IL6ST function (PMID: 32207811). Algorithms developed to predict the effect of variants on protein structure and function are not available or were not evaluated for this variant. ClinVar contains an entry for this variant (Variation ID: 1342187).

OMIM
Classification: Pathogenic for HYPER-IgE SYNDROME 4A, AUTOSOMAL DOMINANT, WITH RECURRENT INFECTIONS. Last evaluated: 2023-10-05. Review status: no assertion criteria provided. Collection method: literature only. Allele origin: germline. Not counted in ClinVar's aggregate classification.

Literature cited by the submitters: PubMed 32207811 (cited by Labcorp Genetics (formerly Invitae), Labcorp and OMIM).

NM_002184.4(IL6ST):c.2155dup (p.Ile719fs)

Gene: IL6ST (interleukin 6 cytokine family signal transducer; minus strand). Cytogenetic location: 5q11.2.
Variant type: Duplication.
Coding change: c.2155dup on transcript NM_002184.4 (MANE Select); coding-DNA position 2155, one base duplicated (A; older notation c.2155dupA).
Protein change: p.Ile719fs; shifts the reading frame from isoleucine 719.
Molecular consequence: frameshift variant. On other transcripts: 3 prime UTR variant (1), non-coding transcript variant (2).
Genome position (GRCh38, 1-based): chr5:55,941,684, T duplicated on the plus strand (A on the coding strand, the reverse complement: IL6ST is on the minus strand); the first of 6 consecutive T bases (chr5:55,941,684-55,941,689); duplicating any one gives the same sequence. VCF-style (leftmost placement, unchanged base first): chr5-55941683-A-AT. GRCh37 (hg19) VCF-style: chr5-55237511-A-AT.
Other names: c.1972dup, p.Ile658fs (NM_001190981.2); c.2053dup, p.Ile685fs (NM_001364275.2); c.1945dup, p.Ile649fs (NM_001364276.2); c.1288dup, p.Ile430fs (NM_001364277.2); c.1252dup, p.Ile418fs (NM_001364278.2); c.1159dup, p.Ile387fs (NM_001364279.2); c.*1082dup (NM_175767.3); short protein forms I387fs, I418fs, I430fs, I649fs, I658fs, I685fs, I719fs.
Identifiers: ClinVar variation 1342187 (VCV001342187.10), dbSNP rs2111587824, ClinGen allele CA2573052518.